The following is an entry in ClinVar:

ClinVar aggregate classification (germline): Uncertain significance. Review status: criteria provided, multiple submitters, no conflicts (2 of 4 stars). 2 submissions from 2 submitters: Uncertain significance (2). Last evaluated 2025-08-07.

Conditions:
RYR1-related disorder. Also called: RYR1-related disorders; RYR1-related condition. Identifiers: MedGen CN239331.

gnomAD v4.1: 7 of 1,614,108 alleles (0.00043%); highest among the groups gnomAD compares: Non-Finnish European, 0.00051%; no homozygotes.

Submissions (2):

Labcorp Genetics (formerly Invitae), Labcorp
Classification: Uncertain significance for RYR1-related disorder. Last evaluated: 2025-08-07. Review status: criteria provided, single submitter. Criteria: Invitae Variant Classification Sherloc (09022015). Collection method: clinical testing. Allele origin: germline.
Comment: This sequence change replaces threonine, which is neutral and polar, with isoleucine, which is neutral and non-polar, at codon 2057 of the RYR1 protein (p.Thr2057Ile). This variant is not present in population databases (gnomAD no frequency). This variant has not been reported in the literature in individuals affected with RYR1-related conditions. ClinVar contains an entry for this variant (Variation ID: 644711). Invitae Evidence Modeling of protein sequence and biophysical properties (such as structural, functional, and spatial information, amino acid conservation, physicochemical variation, residue mobility, and thermodynamic stability) indicates that this missense variant is not expected to disrupt RYR1 protein function with a negative predictive value of 80%. In summary, the available evidence is currently insufficient to determine the role of this variant in disease. Therefore, it has been classified as a Variant of Uncertain Significance.

Revvity Omics, Revvity
Classification: Uncertain significance. Last evaluated: 2023-11-07. Review status: criteria provided, single submitter. Criteria: ACMG Guidelines, 2015. Collection method: clinical testing. Allele origin: germline.

NM_000540.3(RYR1):c.6170C>T (p.Thr2057Ile)

Gene: RYR1 (ryanodine receptor 1; plus strand). Cytogenetic location: 19q13.2.
Variant type: single nucleotide variant.
Coding change: c.6170C>T on transcript NM_000540.3 (MANE Select); coding-DNA position 6170, C replaced by T.
Protein change: p.Thr2057Ile; replaces threonine 2057 with isoleucine.
Molecular consequence: missense variant.
Genome position (GRCh38, 1-based): chr19:38,492,532, C>T. VCF-style: chr19-38492532-C-T. GRCh37 (hg19) VCF-style: chr19-38983172-C-T.
Other names: c.6170C>T, p.Thr2057Ile (NM_001042723.2); short protein forms T2057I.
Identifiers: ClinVar variation 644711 (VCV000644711.9), dbSNP rs1449491974, ClinGen allele CA405662023.